The following is an entry in ClinVar:

ClinVar aggregate classification (germline): Pathogenic (1 of 4 stars; one submission).

Conditions:
Hypophosphatasia. Also called: Phosphoethanol-aminuria. Identifiers: Orphanet 436, MedGen C0020630, MeSH D007014, MONDO:0018570.

Submission:

Genomenon, Inc
Classification: Pathogenic for Hypophosphatasia. Last evaluated: 2025-08-29. Review status: criteria provided, single submitter. Criteria: Genomenon Sequence Variant Interpretation Standards. Collection method: curation. Allele origin: germline. Affected: yes.
Comment: ALPL p.Val130AlafsTer34 (c.389_392del) is a frameshift variant that results in the production of a truncated protein which is predicted to undergo nonsense-mediated mRNA decay. This variant has been observed in at least one proband affected with hypophosphatasia (PMID:12815606). It is absent or not present at a significant frequency in gnomAD. In conclusion, we classify ALPL p.Val130AlafsTer34 (c.389_392del) as a pathogenic variant.

Literature cited by the submitters: PubMed 12815606.

NM_000478.6(ALPL):c.389_392del (p.Val130fs)

Gene: ALPL (alkaline phosphatase, biomineralization associated; plus strand). Cytogenetic location: 1p36.12.
Variant type: Deletion.
Coding change: c.389_392del on transcript NM_000478.6 (MANE Select); coding-DNA positions 389 to 392, 4 bases deleted (TAAG; older notation c.389_392delTAAG).
Protein change: p.Val130fs; shifts the reading frame from valine 130.
Molecular consequence: frameshift variant.
Genome position (GRCh38, 1-based): chr1:21,563,201-21,563,204, TAAG deleted; deleting any 4 consecutive bases within chr1:21,563,200-21,563,204 gives the same sequence; the c. name uses the placement nearest the transcript's 3' end. VCF-style (leftmost placement, unchanged base first): chr1-21563199-GGTAA-G. GRCh37 (hg19) VCF-style: chr1-21889692-GGTAA-G.
Other names: c.224_227del, p.Val75fs (NM_001127501.4); c.158_161del, p.Val53fs (NM_001177520.3); c.389_392del, p.Val130fs (NM_001369803.2, NM_001369804.2, NM_001369805.2); short protein forms V130fs, V53fs, V75fs.
Identifiers: ClinVar variation 4086802 (VCV004086802.1).